The following is an entry in ClinVar:

ClinVar aggregate classification (germline): Uncertain significance (1 of 4 stars; one submission).

Allele frequency attached by ClinVar (database versions not stated): gnomAD exomes below 0.00001; ExAC 0.00001; gnomAD 0.00001 and 0.00002; TOPMed 0.00002.
gnomAD v4.1: 7 of 1,567,710 alleles (0.00045%); highest among the groups gnomAD compares: East Asian, 0.0023%; no homozygotes.

Submission:

Labcorp Genetics (formerly Invitae), Labcorp
Classification: Uncertain significance. Last evaluated: 2022-08-16. Review status: criteria provided, single submitter. Criteria: Invitae Variant Classification Sherloc (09022015). Collection method: clinical testing. Allele origin: germline.
Comment: This sequence change replaces proline, which is neutral and non-polar, with leucine, which is neutral and non-polar, at codon 453 of the RELB protein (p.Pro453Leu). This variant is present in population databases (rs759550740, gnomAD 0.004%). This variant has not been reported in the literature in individuals affected with RELB-related conditions. ClinVar contains an entry for this variant (Variation ID: 1424978). Algorithms developed to predict the effect of missense changes on protein structure and function output the following: SIFT: "Tolerated"; PolyPhen-2: "Benign"; Align-GVGD: "Class C0". The leucine amino acid residue is found in multiple mammalian species, which suggests that this missense change does not adversely affect protein function. In summary, the available evidence is currently insufficient to determine the role of this variant in disease. Therefore, it has been classified as a Variant of Uncertain Significance.

NM_006509.4(RELB):c.1358C>T (p.Pro453Leu)

Gene: RELB (RELB proto-oncogene, NF-kB subunit; plus strand). Cytogenetic location: 19q13.32.
Variant type: single nucleotide variant.
Coding change: c.1358C>T on transcript NM_006509.4 (MANE Select); coding-DNA position 1358, C replaced by T.
Protein change: p.Pro453Leu; replaces proline 453 with leucine.
Molecular consequence: missense variant.
Genome position (GRCh38, 1-based): chr19:45,037,408, C>T. VCF-style: chr19-45037408-C-T. GRCh37 (hg19) VCF-style: chr19-45540666-C-T.
Other names: short protein forms P453L.
Identifiers: ClinVar variation 1424978 (VCV001424978.8), dbSNP rs759550740, ClinGen allele CA9507853.
Genomic context (GRCh38, chr19:45,037,408, plus strand): 5'-CCTGATCAGAAGTTAGCCCTAAATCACACTACACTTCTCTTGTCTTCATCCCCGTAGGCC[C>T]GTTCCTCCCGCCGTCAGCCCTGCTGCCAGACCCTGACTTCTTCTCTGGCACCGTGTCCCT-3'
Protein context (NP_006500.2, residues 443-463): DHFLPNHGSG[Pro453Leu]FLPPSALLPD